The following is an entry in ClinVar:

ClinVar aggregate classification (germline): Pathogenic (1 of 4 stars; one submission).

Submission:

Labcorp Genetics (formerly Invitae), Labcorp
Classification: Pathogenic. Last evaluated: 2025-10-02. Review status: criteria provided, single submitter. Criteria: Invitae Variant Classification Sherloc (09022015). Collection method: clinical testing. Allele origin: germline.
Comment: This sequence change creates a premature translational stop signal (p.Glu583*) in the MCM3AP gene. It is expected to result in an absent or disrupted protein product. Loss-of-function variants in MCM3AP are known to be pathogenic (PMID: 28633435). This variant is not present in population databases (gnomAD no frequency). This variant has not been reported in the literature in individuals affected with MCM3AP-related conditions. ClinVar contains an entry for this variant (Variation ID: 1441403). Algorithms developed to predict the effect of sequence changes on RNA splicing suggest that this variant may disrupt the consensus splice site. For these reasons, this variant has been classified as Pathogenic.

Literature cited by the submitters: PubMed 28633435.

NM_003906.5(MCM3AP):c.1747G>T (p.Glu583Ter)

Gene: MCM3AP (minichromosome maintenance complex component 3 associated protein; minus strand). Cytogenetic location: 21q22.3.
Variant type: single nucleotide variant.
Coding change: c.1747G>T on transcript NM_003906.5 (MANE Select); coding-DNA position 1747, G replaced by T.
Protein change: p.Glu583Ter; replaces glutamic acid 583 with a stop codon.
Molecular consequence: nonsense.
Genome position (GRCh38, 1-based): chr21:46,277,638, C>A on the plus strand (G>T on the coding strand, the complement: MCM3AP is on the minus strand). VCF-style: chr21-46277638-C-A. GRCh37 (hg19) VCF-style: chr21-47697552-C-A.
Other names: short protein forms E583*.
Identifiers: ClinVar variation 1441403 (VCV001441403.6), dbSNP rs776926615, ClinGen allele CA410527789.
Genomic context (GRCh38, chr21:46,277,638, plus strand): 5'-ATGTCTCAGCCACAGTGCCTATCAGGGTACTGAGGGAGAGCACACATGGCCCGAGGCCCT[C>A]GGAGCCCTCGGAGGCTGAGTCAAAAGAGTCTCCCTCGAATTGGTGGGCCTTTAGAAGACT-3'